The following is an entry in ClinVar:

NM_000179.3(MSH6):c.740A>C (p.Lys247Thr)

Gene: MSH6 (mutS homolog 6; plus strand). Cytogenetic location: 2p16.3.
Variant type: single nucleotide variant.
Coding change: c.740A>C on transcript NM_000179.3 (MANE Select); coding-DNA position 740, A replaced by C.
Protein change: p.Lys247Thr; replaces lysine 247 with threonine.
Molecular consequence: missense variant. On other transcripts: 5 prime UTR variant (2).
Genome position (GRCh38, 1-based): chr2:47,798,723, A>C. VCF-style: chr2-47798723-A-C. GRCh37 (hg19) VCF-style: chr2-48025862-A-C.
Other names: c.350A>C, p.Lys117Thr (NM_001281492.2); c.-167A>C (NM_001281493.2, NM_001281494.2, NM_001406811.1 and 6 more transcripts); c.836A>C, p.Lys279Thr (NM_001406795.1, NM_001406802.1); c.740A>C, p.Lys247Thr (NM_001406796.1, NM_001406798.1, NM_001406800.1 and 4 more transcripts); c.443A>C, p.Lys148Thr (NM_001406797.1, NM_001406801.1, NM_001406805.1 and 10 more transcripts); c.215A>C, p.Lys72Thr (NM_001406799.1, NM_001406806.1, NM_001406807.1); c.662A>C, p.Lys221Thr (NM_001406804.1); c.746A>C, p.Lys249Thr (NM_001406813.1); and 1 more; short protein forms K249T, K117T, K148T, K279T, K72T, K221T, K247T, K191T.
Identifiers: ClinVar variation 2109024 (VCV002109024.4), dbSNP rs2104294707, ClinGen allele CA346740082.

ClinVar aggregate classification (germline): Uncertain significance (1 of 4 stars; one submission).

Conditions:
Hereditary nonpolyposis colorectal neoplasms. Identifiers: MedGen C0009405, MeSH D003123.

Submission:

Labcorp Genetics (formerly Invitae), Labcorp
Classification: Uncertain significance for Hereditary nonpolyposis colorectal neoplasms. Last evaluated: 2022-03-11. Review status: criteria provided, single submitter. Criteria: Invitae Variant Classification Sherloc (09022015). Collection method: clinical testing. Allele origin: germline.
Comment: This sequence change replaces lysine, which is basic and polar, with threonine, which is neutral and polar, at codon 247 of the MSH6 protein (p.Lys247Thr). This variant is not present in population databases (gnomAD no frequency). This variant has not been reported in the literature in individuals affected with MSH6-related conditions. Advanced modeling of protein sequence and biophysical properties (such as structural, functional, and spatial information, amino acid conservation, physicochemical variation, residue mobility, and thermodynamic stability) performed at Invitae indicates that this missense variant is not expected to disrupt MSH6 protein function. In summary, the available evidence is currently insufficient to determine the role of this variant in disease. Therefore, it has been classified as a Variant of Uncertain Significance.